The following is an entry in ClinVar:

NM_000051.4(ATM):c.4173C>G (p.Ala1391=)

Gene: ATM (ATM serine/threonine kinase; plus strand). Cytogenetic location: 11q22.3.
Variant type: single nucleotide variant.
Coding change: c.4173C>G on transcript NM_000051.4 (MANE Select); coding-DNA position 4173, C replaced by G.
Protein change: p.Ala1391=; no amino-acid change (alanine 1391 retained).
Molecular consequence: synonymous variant.
Genome position (GRCh38, 1-based): chr11:108,289,040, C>G. VCF-style: chr11-108289040-C-G. GRCh37 (hg19) VCF-style: chr11-108159767-C-G.
Other names: c.4173C>G, p.Ala1391= (NM_001351834.2).
Identifiers: ClinVar variation 514515 (VCV000514515.15), dbSNP rs1060504284, ClinGen allele CA476673708.

ClinVar aggregate classification (germline): Benign/Likely benign. Review status: criteria provided, multiple submitters, no conflicts (2 of 4 stars). 5 submissions from 5 submitters: Benign (1); Likely benign (4). Last evaluated 2025-05-27.

Conditions:
Hereditary cancer-predisposing syndrome. Also called: Hereditary Cancer Syndrome; Tumor predisposition; Neoplastic Syndromes, Hereditary; Hereditary neoplastic syndrome. Identifiers: Orphanet 140162, MedGen C0027672, MeSH D009386, MONDO:0015356.
Familial cancer of breast. Also called: BREAST CANCER, FAMILIAL; Hereditary breast cancer; hereditary breast carcinoma. Identifiers: Orphanet 227535, MedGen C0346153, MONDO:0016419, OMIM 114480. Disease mechanism: loss of function.
Ataxia-telangiectasia syndrome (AT). Also called: Cerebello-oculocutaneous telangiectasia; Immunodeficiency with ataxia telangiectasia; AT, COMPLEMENTATION GROUP C; Ataxia-telangiectasia, complementation group D; LOUIS-BAR SYNDROME; Ataxia-telangiectasia, complementation group E. Identifiers: Orphanet 100, MedGen C0004135, MONDO:0008840, OMIM 208900.

Allele frequency attached by ClinVar (database versions not stated): gnomAD exomes below 0.00001.
gnomAD v4.1: 3 of 1,612,904 alleles (0.00019%); highest among the groups gnomAD compares: East Asian, 0.0045%; no homozygotes.

Submissions (5):

Labcorp Genetics (formerly Invitae), Labcorp
Classification: Likely benign for Ataxia-telangiectasia syndrome. Last evaluated: 2025-05-27. Review status: criteria provided, single submitter. Criteria: Invitae Variant Classification Sherloc (09022015). Collection method: clinical testing. Allele origin: germline.

Myriad Genetics, Inc.
Classification: Benign for Familial cancer of breast. Last evaluated: 2024-05-16. Review status: criteria provided, single submitter. Criteria: Myriad Autosomal Dominant, Autosomal Recessive and X-Linked Classification Criteria (2023). Collection method: clinical testing. Allele origin: unknown.
Comment: This variant is considered benign. This variant is a silent/synonymous amino acid change and it is not expected to impact splicing.

Ambry Genetics
Classification: Likely benign for Hereditary cancer-predisposing syndrome. Last evaluated: 2021-05-01. Review status: criteria provided, single submitter. Criteria: Ambry Variant Classification Scheme 2023. Collection method: clinical testing. Allele origin: germline.

Color Diagnostics, LLC DBA Color Health
Classification: Likely benign for Hereditary cancer-predisposing syndrome. Last evaluated: 2018-06-11. Review status: criteria provided, single submitter. Criteria: ACMG Guidelines, 2015. Collection method: clinical testing. Allele origin: germline.

GeneDx
Classification: Likely benign. Last evaluated: 2018-01-05. Review status: criteria provided, single submitter. Criteria: GeneDx Variant Classification (06012015). Collection method: clinical testing. Allele origin: germline. Affected: yes.
Comment: This variant is considered likely benign or benign based on one or more of the following criteria: it is a conservative change, it occurs at a poorly conserved position in the protein, it is predicted to be benign by multiple in silico algorithms, and/or has population frequency not consistent with disease.